The following is an entry in ClinVar:

ClinVar aggregate classification (germline): Conflicting classifications of pathogenicity. Review status: criteria provided, conflicting classifications (1 of 4 stars). 8 submissions from 4 submitters: Uncertain significance (3); Benign (3); Likely benign (2). Last evaluated 2025-11-25.

Conditions:
Cardiovascular phenotype. Identifiers: MedGen CN230736.
Dilated cardiomyopathy 1G (CMD1G). Identifiers: Orphanet 154, MedGen C1858763, MONDO:0011400, OMIM 604145.
Autosomal recessive limb-girdle muscular dystrophy type 2J (LGMDR10). Also called: Limb-girdle muscular dystrophy, type 2J; MUSCULAR DYSTROPHY, LIMB-GIRDLE, AUTOSOMAL RECESSIVE 10. Identifiers: Orphanet 140922, MedGen C1837342, MONDO:0012127, OMIM 608807.
Early-onset myopathy with fatal cardiomyopathy (CMYO5). Also called: Salih Myopathy; CONGENITAL MYOPATHY 5 WITH CARDIOMYOPATHY. Identifiers: Orphanet 289377, MedGen C2673677, MONDO:0012714, OMIM 611705. Disease mechanism: loss of function.
Myopathy, myofibrillar, 9, with early respiratory failure (MFM9). Also called: MYOPATHY, PROXIMAL, WITH EARLY RESPIRATORY MUSCLE INVOLVEMENT; EDSTROM MYOPATHY; Hereditary myopathy with early respiratory failure; Myopathy, distal, with early respiratory failure, autosomal dominant. Identifiers: Orphanet 178464, Orphanet 34521, MedGen C1863599, MONDO:0011362, OMIM 603689.
Tibial muscular dystrophy (TMD). Also called: UDD MYOPATHY; Tibial muscular dystrophy, tardive; Udd Distal Myopathy – Tibial Muscular Dystrophy. Identifiers: Orphanet 609, MedGen C1838244, MONDO:0010870, OMIM 600334.

Allele frequency attached by ClinVar (database versions not stated): ExAC 0.00002; TOPMed 0.00005; gnomAD 0.00001 and 0.00002; gnomAD exomes 0.00002.
gnomAD v4.1: 30 of 1,613,330 alleles (0.0019%); highest among the groups gnomAD compares: Middle Eastern, 0.016%; 1 homozygote.

Submissions (8):

Labcorp Genetics (formerly Invitae), Labcorp
Classification: Likely benign for Dilated cardiomyopathy 1G; Autosomal recessive limb-girdle muscular dystrophy type 2J. Last evaluated: 2025-11-25. Review status: criteria provided, single submitter. Criteria: Invitae Variant Classification Sherloc (09022015). Collection method: clinical testing. Allele origin: germline.

Ambry Genetics
Classification: Likely benign for Cardiovascular phenotype. Last evaluated: 2024-05-19. Review status: criteria provided, single submitter. Criteria: Ambry Variant Classification Scheme 2023. Collection method: clinical testing. Allele origin: germline.

Illumina Laboratory Services, Illumina
Classification: Benign for Tibial muscular dystrophy. Last evaluated: 2018-01-12. Review status: criteria provided, single submitter. Criteria: ICSL Variant Classification Criteria 13 December 2019. Collection method: clinical testing. Allele origin: germline.
Comment: This variant was observed in the ICSL laboratory as part of a predisposition screen in an ostensibly healthy population. It had not been previously curated by ICSL or reported in the Human Gene Mutation Database (HGMD: prior to June 1st, 2018), and was therefore a candidate for classification through an automated scoring system. Utilizing variant allele frequency, disease prevalence and penetrance estimates, and inheritance mode, an automated score was calculated to assess if this variant is too frequent to cause the disease. Based on the score and internal cut-off values, a variant classified as benign is not then subjected to further curation. The score for this variant resulted in a classification of benign for this disease.

Illumina Laboratory Services, Illumina
Classification: Uncertain significance for Autosomal recessive limb-girdle muscular dystrophy type 2J. Last evaluated: 2018-01-12. Review status: criteria provided, single submitter. Criteria: ICSL Variant Classification Criteria 13 December 2019. Collection method: clinical testing. Allele origin: germline.

Illumina Laboratory Services, Illumina
Classification: Uncertain significance for Dilated cardiomyopathy 1G. Last evaluated: 2018-01-12. Review status: criteria provided, single submitter. Criteria: ICSL Variant Classification Criteria 13 December 2019. Collection method: clinical testing. Allele origin: germline.

Illumina Laboratory Services, Illumina
Classification: Uncertain significance for Early-onset myopathy with fatal cardiomyopathy. Last evaluated: 2018-01-12. Review status: criteria provided, single submitter. Criteria: ICSL Variant Classification Criteria 13 December 2019. Collection method: clinical testing. Allele origin: germline.

Illumina Laboratory Services, Illumina
Classification: Benign for Myopathy, myofibrillar, 9, with early respiratory failure. Last evaluated: 2018-01-12. Review status: criteria provided, single submitter. Criteria: ICSL Variant Classification Criteria 13 December 2019. Collection method: clinical testing. Allele origin: germline.
Comment: the same text as in the submission from Illumina Laboratory Services, Illumina above.

Genetic Services Laboratory, University of Chicago
Classification: Benign for AllHighlyPenetrant. Last evaluated: 2014-03-03. Review status: criteria provided, single submitter. Criteria: ACMG Guidelines, 2007. Collection method: clinical testing. Allele origin: germline.

NM_001267550.2(TTN):c.59247C>T (p.Asp19749=)

Genes: TTN (titin; minus strand), TTN-AS1 (TTN antisense RNA 1; plus strand). Cytogenetic location: 2q31.2.
Variant type: single nucleotide variant.
Coding change: c.59247C>T on transcript NM_001267550.2 (MANE Select); coding-DNA position 59247, C replaced by T.
Protein change: p.Asp19749=; no amino-acid change (aspartic acid 19749 retained).
Molecular consequence: synonymous variant.
Genome position (GRCh38, 1-based): chr2:178,592,872, G>A on the plus strand (C>T on the coding strand, the complement: TTN is on the minus strand). VCF-style: chr2-178592872-G-A. GRCh37 (hg19) VCF-style: chr2-179457599-G-A.
Other names: c.54324C>T, p.Asp18108= (NM_001256850.1); c.32052C>T, p.Asp10684= (NM_003319.4); c.51543C>T, p.Asp17181= (NM_133378.4); c.32427C>T, p.Asp10809= (NM_133432.3); c.32628C>T, p.Asp10876= (NM_133437.4).
Identifiers: ClinVar variation 130674 (VCV000130674.18), dbSNP rs587780491, ClinGen allele CA155882.